The following is an entry in ClinVar:

NM_014423.4(AFF4):c.1257A>G (p.Glu419=)

Gene: AFF4 (ALF transcription elongation factor 4; minus strand). Cytogenetic location: 5q31.1.
Variant type: single nucleotide variant.
Coding change: c.1257A>G on transcript NM_014423.4 (MANE Select); coding-DNA position 1257, A replaced by G.
Protein change: p.Glu419=; no amino-acid change (glutamic acid 419 retained).
Molecular consequence: synonymous variant.
Genome position (GRCh38, 1-based): chr5:132,898,362, T>C on the plus strand (A>G on the coding strand, the complement: AFF4 is on the minus strand). VCF-style: chr5-132898362-T-C. GRCh37 (hg19) VCF-style: chr5-132234054-T-C.
Identifiers: ClinVar variation 3355754 (VCV003355754.1).
Genomic context (GRCh38, chr5:132,898,362, plus strand): 5'-TCCAGAGCTGCTTTCAGATCCACTGTGGCTACTAGAATCATCCCTGGAGTTATCTGCTCC[T>C]TCACTATTATGGTGTGAAGGTTCAGAGTTACTAAAAGAGATGAAATATACAAATGTCCAA-3'
Protein context (NP_055238.1, residues 409-429): SNSEPSHHNS[Glu419=]GADNSRDDSS

ClinVar aggregate classification (germline): Likely benign (0 of 4 stars; one submission).

Conditions:
AFF4-related disorder. Also called: AFF4-related condition.

gnomAD v4.1: 12 of 1,614,222 alleles (0.00074%); highest among the groups gnomAD compares: South Asian, 0.0044%; no homozygotes.

Submission:

PreventionGenetics, part of Exact Sciences
Classification: Likely benign for AFF4-related condition. Last evaluated: 2022-03-17. Review status: no assertion criteria provided. Collection method: clinical testing. Allele origin: germline.
Comment: This variant is classified as likely benign based on ACMG/AMP sequence variant interpretation guidelines (Richards et al. 2015 PMID: 25741868, with internal and published modifications).